The following is an entry in ClinVar:

ClinVar aggregate classification (germline): Pathogenic (1 of 4 stars; one submission).

Conditions:
Arrhythmogenic cardiomyopathy with wooly hair and keratoderma. Also called: PALMOPLANTAR KERATODERMA WITH LEFT VENTRICULAR CARDIOMYOPATHY AND WOOLLY HAIR; Arrhythmogenic cardiomyopathy with woolly hair and keratoderma; Carvajal syndrome; Dilated cardiomyopathy with woolly hair and keratoderma. Identifiers: Orphanet 65282, MedGen C1854063, MONDO:0011581, OMIM 605676.
Arrhythmogenic right ventricular dysplasia 8 (ARVD8). Also called: ARRHYTHMOGENIC RIGHT VENTRICULAR DYSPLASIA, FAMILIAL, 8; ARRHYTHMOGENIC RIGHT VENTRICULAR CARDIOMYOPATHY 8; Arrhythmogenic Right Ventricular Dysplasia/Cardiomyopathy 8. Identifiers: MedGen C1843896, MONDO:0011831, OMIM 607450.

Submission:

Labcorp Genetics (formerly Invitae), Labcorp
Classification: Pathogenic for Arrhythmogenic cardiomyopathy with wooly hair and keratoderma; Arrhythmogenic right ventricular dysplasia 8. Last evaluated: 2022-02-25. Review status: criteria provided, single submitter. Criteria: Invitae Variant Classification Sherloc (09022015). Collection method: clinical testing. Allele origin: germline.
Comment: Algorithms developed to predict the effect of sequence changes on RNA splicing suggest that this variant may create or strengthen a splice site. This sequence change creates a premature translational stop signal (p.Asp480Valfs*5) in the DSP gene. It is expected to result in an absent or disrupted protein product. Loss-of-function variants in DSP are known to be pathogenic (PMID: 20716751, 24503780, 25227139). This variant is not present in population databases (gnomAD no frequency). This variant has not been reported in the literature in individuals affected with DSP-related conditions. ClinVar contains an entry for this variant (Variation ID: 1069659). For these reasons, this variant has been classified as Pathogenic.

Literature cited by the submitters: PubMed 20716751; PubMed 24503780; PubMed 25227139.

NM_004415.4(DSP):c.1439del (p.Asp480fs)

Gene: DSP (desmoplakin; plus strand). Cytogenetic location: 6p24.3.
Variant type: Deletion.
Coding change: c.1439del on transcript NM_004415.4 (MANE Select); coding-DNA position 1439, one base deleted (A; older notation c.1439delA).
Protein change: p.Asp480fs; shifts the reading frame from aspartic acid 480.
Molecular consequence: frameshift variant.
Genome position (GRCh38, 1-based): chr6:7,569,205, A deleted. VCF-style (leftmost placement, unchanged base first): chr6-7569204-GA-G. GRCh37 (hg19) VCF-style: chr6-7569437-GA-G.
Other names: c.1439del, p.Asp480fs (NM_001008844.3, NM_001319034.2); short protein forms D480fs.
Identifiers: ClinVar variation 1069659 (VCV001069659.7), dbSNP rs2113675360, ClinGen allele CA2499218550.